The following is an entry in ClinVar:

NM_002063.4(GLRA2):c.-1A>G

Gene: GLRA2 (glycine receptor alpha 2; plus strand). Cytogenetic location: Xp22.2.
Variant type: single nucleotide variant.
Coding change: c.-1A>G on transcript NM_002063.4 (MANE Select); 1 bases upstream of the start codon, A replaced by G.
Molecular consequence: 5 prime UTR variant.
Genome position (GRCh38, 1-based): chrX:14,530,057, A>G. VCF-style: chrX-14530057-A-G. GRCh37 (hg19) VCF-style: chrX-14548179-A-G.
Other names: c.-1A>G (NM_001118885.2, NM_001118886.2); c.-435A>G (NM_001171942.2).
Identifiers: ClinVar variation 4527345 (VCV004527345.1).
Genomic context (GRCh38, chrX:14,530,057, plus strand): 5'-TGTCCTAGCATCTTTCTGGAATCATTTCGGGATATTTTCCACAAGCAACACAGAAACAGG[A>G]ATGAACCGGCAGCTAGTGAACATTTTGACAGCCTTGTTTGCATTTTTCTTAGAGACAAAC-3'

ClinVar aggregate classification (germline): Uncertain significance (1 of 4 stars; one submission).

Submission:

GeneDx
Classification: Uncertain significance. Last evaluated: 2025-05-01. Review status: criteria provided, single submitter. Criteria: GeneDx Variant Classification Process June 2021. Collection method: clinical testing. Allele origin: germline. Affected: yes.
Comment: Not observed at significant frequency in large population cohorts (gnomAD); Located in a region that tolerates variation and lacks pathogenic variants; Has not been previously published as pathogenic or benign to our knowledge